The following is an entry in ClinVar:

NM_130810.4(DNAAF4):c.1073T>C (p.Val358Ala)

Genes: DNAAF4 (dynein axonemal assembly factor 4; minus strand), DNAAF4-CCPG1 (DNAAF4-CCPG1 readthrough (NMD candidate); minus strand). Cytogenetic location: 15q21.3.
Variant type: single nucleotide variant.
Coding change: c.1073T>C on transcript NM_130810.4 (MANE Select); coding-DNA position 1073, T replaced by C.
Protein change: p.Val358Ala; replaces valine 358 with alanine.
Molecular consequence: missense variant. On other transcripts: non-coding transcript variant (1), intron variant (2).
Genome position (GRCh38, 1-based): chr15:55,432,577, A>G on the plus strand (T>C on the coding strand, the complement: DNAAF4 is on the minus strand). VCF-style: chr15-55432577-A-G. GRCh37 (hg19) VCF-style: chr15-55724775-A-G.
Other names: c.1047+2328T>C (NM_001033560.2); c.1048-1798T>C (NM_001033559.3); short protein forms V358A.
Identifiers: ClinVar variation 651131 (VCV000651131.11), dbSNP rs1595889282, ClinGen allele CA392547565.

ClinVar aggregate classification (germline): Uncertain significance (1 of 4 stars; one submission).

Submission:

Labcorp Genetics (formerly Invitae), Labcorp
Classification: Uncertain significance. Last evaluated: 2018-08-20. Review status: criteria provided, single submitter. Criteria: Invitae Variant Classification Sherloc (09022015). Collection method: clinical testing. Allele origin: germline.
Comment: In summary, the available evidence is currently insufficient to determine the role of this variant in disease. Therefore, it has been classified as a Variant of Uncertain Significance. Algorithms developed to predict the effect of missense changes on protein structure and function (SIFT, PolyPhen-2, Align-GVGD) all suggest that this variant is likely to be disruptive, but these predictions have not been confirmed by published functional studies and their clinical significance is uncertain. This variant has not been reported in the literature in individuals with DYX1C1-related disease. This variant is not present in population databases (ExAC no frequency). This sequence change replaces valine with alanine at codon 358 of the DYX1C1 protein (p.Val358Ala). The valine residue is highly conserved and there is a small physicochemical difference between valine and alanine.